The following is an entry in ClinVar:

ClinVar aggregate classification (germline): Likely benign (1 of 4 stars; one submission).

Conditions:
MYCBP2-related disorder. Also called: MYCBP2-related condition.

gnomAD v4.1: 401 of 1,611,330 alleles (0.025%); highest among the groups gnomAD compares: Non-Finnish European, 0.032%; no homozygotes.

Submission:

PreventionGenetics, part of Exact Sciences
Classification: Likely benign for MYCBP2-related condition. Last evaluated: 2025-10-16. Review status: criteria provided, single submitter. Criteria: ACMG Guidelines, 2015. Collection method: clinical testing. Allele origin: germline.
Comment: This variant is classified as likely benign based on ACMG/AMP sequence variant interpretation guidelines (Richards et al. 2015 PMID: 25741868, with internal and published modifications).

NM_015057.5(MYCBP2):c.11905-10C>T

Gene: MYCBP2 (MYC binding protein 2; minus strand). Cytogenetic location: 13q22.3.
Variant type: single nucleotide variant.
Coding change: c.11905-10C>T on transcript NM_015057.5 (MANE Select); 10 bases into the intron before coding-DNA position 11905, C replaced by T.
Molecular consequence: intron variant.
Genome position (GRCh38, 1-based): chr13:77,068,841, G>A on the plus strand (C>T on the coding strand, the complement: MYCBP2 is on the minus strand). VCF-style: chr13-77068841-G-A. GRCh37 (hg19) VCF-style: chr13-77642976-G-A.
Identifiers: ClinVar variation 4983054 (VCV004983054.1).